The following is an entry in ClinVar:

ClinVar aggregate classification (germline): Likely pathogenic (1 of 4 stars; one submission).

Conditions:
Deficiency of iodide peroxidase (TDH2A). Also called: THYROID HORMONOGENESIS, GENETIC DEFECT IN, 2A; THYROID PEROXIDASE DEFICIENCY; HYPOTHYROIDISM, CONGENITAL, DUE TO DYSHORMONOGENESIS, 2A; IODIDE PEROXIDASE DEFICIENCY; Thyroid dyshormonogenesis 2A. Identifiers: Orphanet 95716, MedGen C1291299, MONDO:0010133, OMIM 274500.

Submission:

Juno Genomics, Hangzhou Juno Genomics, Inc
Classification: Likely pathogenic for Deficiency of iodide peroxidase. Review status: criteria provided, single submitter. Criteria: ACMG Guidelines, 2015. Collection method: clinical testing. Allele origin: germline.
Comment: Null variant in a gene where loss of function (LOF) is a known mechanism of disease.;Absent from controls (or at extremely low frequency if recessive) in Genome Aggregation Database.

NM_001206744.2(TPO):c.2163T>A (p.Cys721Ter)

Genes: LALTOP (lung cancer associated lncRNA targeting TOP2A; minus strand), TPO (thyroid peroxidase; plus strand). Cytogenetic location: 2p25.3.
Variant type: single nucleotide variant.
Coding change: c.2163T>A on transcript NM_001206744.2 (MANE Select); coding-DNA position 2163, T replaced by A.
Protein change: p.Cys721Ter; replaces cysteine 721 with a stop codon.
Molecular consequence: nonsense.
Genome position (GRCh38, 1-based): chr2:1,496,145, T>A. VCF-style: chr2-1496145-T-A. GRCh37 (hg19) VCF-style: chr2-1499917-T-A.
Other names: c.2163T>A, p.Cys721Ter (NM_175721.3, NM_000547.6); c.1644T>A, p.Cys548Ter (NM_175722.3); c.1992T>A, p.Cys664Ter (NM_001206745.2, NM_175719.4); short protein forms C548*, C664*, C721*.
Identifiers: ClinVar variation 5006082 (VCV005006082.2).